The following is an entry in ClinVar:

NM_001293298.2(CEMIP):c.3625C>T (p.His1209Tyr)

Gene: CEMIP (cell migration inducing hyaluronidase 1; plus strand). Cytogenetic location: 15q25.1.
Variant type: single nucleotide variant.
Coding change: c.3625C>T on transcript NM_001293298.2 (MANE Select); coding-DNA position 3625, C replaced by T.
Protein change: p.His1209Tyr; replaces histidine 1209 with tyrosine.
Molecular consequence: missense variant.
Genome position (GRCh38, 1-based): chr15:80,942,263, C>T. VCF-style: chr15-80942263-C-T. GRCh37 (hg19) VCF-style: chr15-81234604-C-T.
Other names: c.3625C>T, p.His1209Tyr (NM_001293304.2, NM_018689.3); short protein forms H1209Y.
Identifiers: ClinVar variation 804685 (VCV000804685.26), dbSNP rs140790232, ClinGen allele CA7693645.
Genomic context (GRCh38, chr15:80,942,263, plus strand): 5'-ATGACTACCCAAACCTAACAATTACATTGGGTTCTATGTGTTTTCCAGAAAACAAAGGAC[C>T]ATTTCTTGGAGGTGAAGATGGAGAGTTCCAAGCAGCACTTCTTCCACCTCTGGAACGACT-3'
Protein context (NP_001280227.1, residues 1199-1219): LFGSQLKTKD[His1209Tyr]FLEVKMESSK

ClinVar aggregate classification (germline): Benign/Likely benign. Review status: criteria provided, multiple submitters, no conflicts (2 of 4 stars). 4 submissions from 4 submitters: Benign (2); Likely benign (1). 1 of the submissions does not count toward it. Last evaluated 2026-02-01.

Conditions:
CEMIP-related disorder. Also called: CEMIP-related condition.

Allele frequency attached by ClinVar (database versions not stated): 1000 Genomes Project 30x 0.00109; 1000 Genomes Project 0.00120; TOPMed 0.00156; gnomAD 0.00160 and 0.00162; ExAC 0.00165; ESP Exome Variant Server 0.00185; gnomAD exomes 0.00236.
gnomAD v4.1: 3,710 of 1,613,900 alleles (0.23%); highest among the groups gnomAD compares: Middle Eastern, 0.43%; 15 homozygotes.

Submissions (4):

CeGaT Center for Human Genetics Tuebingen
Classification: Likely benign. Last evaluated: 2026-02-01. Review status: criteria provided, single submitter. Criteria: CeGaT Center For Human Genetics Tuebingen Variant Classification Criteria Version 2. Collection method: clinical testing. Allele origin: germline. Affected: yes. Observed: 2 variant alleles.
Comment: CEMIP: PP2, BP4, BS2

Athena Diagnostics
Classification: Benign. Last evaluated: 2019-03-21. Review status: criteria provided, single submitter. Criteria: Athena Diagnostics Criteria. Collection method: clinical testing. Allele origin: germline.

Breakthrough Genomics
Classification: Benign. Review status: criteria provided, single submitter. Criteria: ACMG Guidelines, 2015. Collection method: not provided. Allele origin: germline. Inheritance: Unknown mechanism. Affected: yes.

PreventionGenetics, part of Exact Sciences
Classification: Likely benign for CEMIP-related condition. Last evaluated: 2024-09-18. Review status: no assertion criteria provided. Collection method: clinical testing. Allele origin: germline. Not counted in ClinVar's aggregate classification.
Comment: This variant is classified as likely benign based on ACMG/AMP sequence variant interpretation guidelines (Richards et al. 2015 PMID: 25741868, with internal and published modifications).